The following is an entry in ClinVar:

ClinVar aggregate classification (germline): Uncertain significance (1 of 4 stars; one submission).

Conditions:
Hereditary cancer-predisposing syndrome. Also called: Neoplastic Syndromes, Hereditary; Tumor predisposition; Hereditary neoplastic syndrome; Hereditary Cancer Syndrome. Identifiers: Orphanet 140162, MedGen C0027672, MeSH D009386, MONDO:0015356.

Submission:

Ambry Genetics
Classification: Uncertain significance for Hereditary cancer-predisposing syndrome. Last evaluated: 2025-08-13. Review status: criteria provided, single submitter. Criteria: Ambry Variant Classification Scheme 2023. Collection method: clinical testing. Allele origin: germline.
Comment: The c.577-3C>T intronic variant results from a C to T substitution 3 nucleotides upstream from coding exon 7 in the RAD51D gene. This nucleotide position is well conserved in available vertebrate species. In silico splice site analysis predicts that this alteration will not have any significant effect on splicing. Based on the available evidence, the clinical significance of this variant remains unclear.

NM_002878.4(RAD51D):c.577-3C>T

Genes: RAD51L3-RFFL (RAD51L3-RFFL readthrough; minus strand), RAD51D (RAD51 paralog D; minus strand). Cytogenetic location: 17q12.
Variant type: single nucleotide variant.
Coding change: c.577-3C>T on transcript NM_002878.4 (MANE Select); 3 bases into the intron before coding-DNA position 577, C replaced by T.
Molecular consequence: intron variant.
Genome position (GRCh38, 1-based): chr17:35,103,547, G>A on the plus strand (C>T on the coding strand, the complement: RAD51D is on the minus strand). VCF-style: chr17-35103547-G-A. GRCh37 (hg19) VCF-style: chr17-33430566-G-A.
Other names: c.241-3C>T (NM_133629.3); c.637-3C>T (NM_001142571.2).
Identifiers: ClinVar variation 825957 (VCV000825957.6), dbSNP rs1597858942, ClinGen allele CA915949981.